The following is an entry in ClinVar:

NM_005996.4(TBX3):c.942G>A (p.Gly314=)

Gene: TBX3 (T-box transcription factor 3; minus strand). Cytogenetic location: 12q24.21.
Variant type: single nucleotide variant.
Coding change: c.942G>A on transcript NM_005996.4 (MANE Select); coding-DNA position 942, G replaced by A.
Protein change: p.Gly314=; no amino-acid change (glycine 314 retained).
Molecular consequence: synonymous variant.
Genome position (GRCh38, 1-based): chr12:114,676,410, C>T on the plus strand (G>A on the coding strand, the complement: TBX3 is on the minus strand). VCF-style: chr12-114676410-C-T. GRCh37 (hg19) VCF-style: chr12-115114215-C-T.
Other names: c.1002G>A, p.Gly334= (NM_016569.4).
Identifiers: ClinVar variation 4993418 (VCV004993418.1).
Genomic context (GRCh38, chr12:114,676,410, plus strand): 5'-AGAAGAAGCCTGGGCGAAGCAGTTGAAAGCTGCTTGTTCACTGGAGGACTCATCAGAGGT[C>T]CCATTCTCCTTTTTGTGTCTTTCATCAAACACCCTCATGGACTGCAGGGTGAGCTGTTTT-3'
Protein context (NP_005987.3, residues 304-324): VFDERHKKEN[Gly314=]TSDESSSEQA

ClinVar aggregate classification (germline): Likely benign (1 of 4 stars; one submission).

Conditions:
TBX3-related disorder. Also called: TBX3-related condition.

gnomAD v4.1: 2 of 1,614,086 alleles (0.00012%); highest among the groups gnomAD compares: African/African-American, 0.0027%; no homozygotes.

Submission:

PreventionGenetics, part of Exact Sciences
Classification: Likely benign for TBX3-related condition. Last evaluated: 2026-04-19. Review status: criteria provided, single submitter. Criteria: ACMG Guidelines, 2015. Collection method: clinical testing. Allele origin: germline.
Comment: This variant is classified as likely benign based on ACMG/AMP sequence variant interpretation guidelines (Richards et al. 2015 PMID: 25741868, with internal and published modifications).